The following is an entry in ClinVar:

ClinVar aggregate classification (germline): Uncertain significance (1 of 4 stars; one submission).

Submission:

Labcorp Genetics (formerly Invitae), Labcorp
Classification: Uncertain significance. Last evaluated: 2022-04-06. Review status: criteria provided, single submitter. Criteria: Invitae Variant Classification Sherloc (09022015). Collection method: clinical testing. Allele origin: germline.
Comment: In summary, the available evidence is currently insufficient to determine the role of this variant in disease. Therefore, it has been classified as a Variant of Uncertain Significance. Algorithms developed to predict the effect of missense changes on protein structure and function (SIFT, PolyPhen-2, Align-GVGD) all suggest that this variant is likely to be tolerated. This variant has not been reported in the literature in individuals affected with RINT1-related conditions. This variant is not present in population databases (gnomAD no frequency). This sequence change replaces lysine, which is basic and polar, with isoleucine, which is neutral and non-polar, at codon 748 of the RINT1 protein (p.Lys748Ile).

NM_021930.6(RINT1):c.2243A>T (p.Lys748Ile)

Genes: EFCAB10 (EF-hand calcium binding domain 10; minus strand), RINT1 (RAD50 interactor 1; plus strand). Cytogenetic location: 7q22.3.
Variant type: single nucleotide variant.
Coding change: c.2243A>T on transcript NM_021930.6 (MANE Select); coding-DNA position 2243, A replaced by T.
Protein change: p.Lys748Ile; replaces lysine 748 with isoleucine.
Molecular consequence: missense variant. On other transcripts: 3 prime UTR variant (2), non-coding transcript variant (1), intron variant (3).
Genome position (GRCh38, 1-based): chr7:105,567,175, A>T. VCF-style: chr7-105567175-A-T. GRCh37 (hg19) VCF-style: chr7-105207622-A-T.
Other names: c.*279T>A (NM_001355527.2, NM_001355529.2); c.2009A>T, p.Lys670Ile (NM_001346599.2); c.1220A>T, p.Lys407Ile (NM_001346600.2, NM_001346603.2); c.1319A>T, p.Lys440Ile (NM_001346601.2); c.360-1728T>A (NM_001355531.2); c.383+292T>A (NM_001355526.2, NM_001355530.2); short protein forms K407I, K440I, K670I, K748I.
Identifiers: ClinVar variation 2116913 (VCV002116913.4), dbSNP rs2485202065, ClinGen allele CA368815468.